The following is an entry in ClinVar:

ClinVar aggregate classification (germline): Pathogenic/Likely pathogenic. Review status: criteria provided, multiple submitters, no conflicts (2 of 4 stars). 5 submissions from 5 submitters: Pathogenic (1); Likely pathogenic (3). 1 of the submissions does not count toward it. Last evaluated 2025-12-24.

Conditions:
Neurofibromatosis, type 1 (NF1). Also called: Peripheral type neurofibromatosis; VON RECKLINGHAUSEN DISEASE; NEUROFIBROMATOSIS, TYPE I, SOMATIC; Neurofibromatosis, type I. Identifiers: Orphanet 636, MedGen C0027831, MONDO:0018975, OMIM 162200. Disease mechanism: loss of function.

Submissions (5):

Labcorp Genetics (formerly Invitae), Labcorp
Classification: Pathogenic for Neurofibromatosis, type 1. Last evaluated: 2025-12-24. Review status: criteria provided, single submitter. Criteria: Invitae Variant Classification Sherloc (09022015). Collection method: clinical testing. Allele origin: germline.
Comment: This sequence change replaces tryptophan, which is neutral and slightly polar, with cysteine, which is neutral and slightly polar, at codon 784 of the NF1 protein (p.Trp784Cys). This variant is not present in population databases (gnomAD no frequency). This missense change has been observed in individual(s) with neurofibromatosis type 1 (PMID: 11735023). ClinVar contains an entry for this variant (Variation ID: 68319). Invitae Evidence Modeling of protein sequence and biophysical properties (such as structural, functional, and spatial information, amino acid conservation, physicochemical variation, residue mobility, and thermodynamic stability) indicates that this missense variant is expected to disrupt NF1 protein function with a positive predictive value of 95%. This variant disrupts the p.Trp784 amino acid residue in NF1. Other variant(s) that disrupt this residue have been determined to be pathogenic (PMID: 11857752, 12807981, 15146469, 24789688, 31370276; internal data). This suggests that this residue is clinically significant, and that variants that disrupt this residue are likely to be disease-causing. For these reasons, this variant has been classified as Pathogenic.

GeneDx
Classification: Likely pathogenic. Last evaluated: 2024-10-08. Review status: criteria provided, single submitter. Criteria: GeneDx Variant Classification Process June 2021. Collection method: clinical testing. Allele origin: germline. Affected: yes.
Comment: Not observed at significant frequency in large population cohorts (gnomAD); In silico analysis supports that this missense variant has a deleterious effect on protein structure/function; This variant is associated with the following publications: (PMID: 11735023, 24803665, 16944272, 25486365, 31370276, 31766501, 35885913)

3billion
Classification: Likely pathogenic for Neurofibromatosis, type 1. Last evaluated: 2022-05-22. Review status: criteria provided, single submitter. Criteria: ACMG Guidelines, 2015. Collection method: clinical testing. Allele origin: germline. Affected: yes. Observed: 1 heterozygote.
Comment: The variant is not observed in the gnomAD v2.1.1 dataset. Missense changes are a common disease-causing mechanism. In silico tool predictions suggest damaging effect of the variant on gene or gene product (REVEL: 0.67; 3Cnet: 1.00). Same nucleotide change resulting in same amino acid change has been previously reported to be associated with NF1 related disorder (PMID: 11735023). However, the evidence of pathogenicity is insufficient at this time. The variant has been observed in at least two similarly affected unrelated individuals (PMID:11735023, 31370276). A different missense change at the same codon (p.Trp784Arg) has been reported as pathogenic/likely pathogenic with strong evidence (ClinVar ID: VCV000068318). Therefore, this variant is classified as likely pathogenic according to the recommendation of ACMG/AMP guideline.

Genome-Nilou Lab
Classification: Likely pathogenic for Neurofibromatosis, type 1. Last evaluated: 2022-03-15. Review status: criteria provided, single submitter. Criteria: ACMG Guidelines, 2015. Collection method: clinical testing. Allele origin: germline. Affected: no.

UniProtKB/Swiss-Prot
No classification provided. Review status: no classification provided. Collection method: not provided. Allele origin: not provided. Not counted in ClinVar's aggregate classification.

Literature cited by the submitters: PubMed 11735023 (cited by Labcorp Genetics (formerly Invitae), Labcorp and 3billion); PubMed 11857752 (cited by Labcorp Genetics (formerly Invitae), Labcorp); PubMed 12807981 (cited by Labcorp Genetics (formerly Invitae), Labcorp); PubMed 15146469 (cited by Labcorp Genetics (formerly Invitae), Labcorp); PubMed 24789688 (cited by Labcorp Genetics (formerly Invitae), Labcorp); PubMed 31370276 (cited by Labcorp Genetics (formerly Invitae), Labcorp and 3billion).

NM_001042492.3(NF1):c.2352G>C (p.Trp784Cys)

Gene: NF1 (neurofibromin 1; plus strand). Cytogenetic location: 17q11.2.
Variant type: single nucleotide variant.
Coding change: c.2352G>C on transcript NM_001042492.3 (MANE Select); coding-DNA position 2352, G replaced by C.
Protein change: p.Trp784Cys; replaces tryptophan 784 with cysteine.
Molecular consequence: missense variant.
Genome position (GRCh38, 1-based): chr17:31,227,549, G>C. VCF-style: chr17-31227549-G-C. GRCh37 (hg19) VCF-style: chr17-29554567-G-C.
Other names: c.2352G>C, p.Trp784Cys (NM_000267.4); short protein forms W784C.
Identifiers: ClinVar variation 68319 (VCV000068319.9), dbSNP rs199474778, ClinGen allele CA219461.